The following is an entry in ClinVar:

ClinVar aggregate classification (germline): Uncertain significance (1 of 4 stars; one submission).

Conditions:
Bethlem myopathy 1A. Also called: MYOPATHY, BENIGN CONGENITAL, WITH CONTRACTURES; Bethlem myopathy 1; Bethlem Muscular Dystrophy. Identifiers: Orphanet 610, MedGen CN029274, MONDO:0024530, OMIM 158810.

Submission:

Labcorp Genetics (formerly Invitae), Labcorp
Classification: Uncertain significance for Bethlem myopathy 1A. Last evaluated: 2022-11-22. Review status: criteria provided, single submitter. Criteria: Invitae Variant Classification Sherloc (09022015). Collection method: clinical testing. Allele origin: germline.
Comment: In summary, the available evidence is currently insufficient to determine the role of this variant in disease. Therefore, it has been classified as a Variant of Uncertain Significance. Advanced modeling of protein sequence and biophysical properties (such as structural, functional, and spatial information, amino acid conservation, physicochemical variation, residue mobility, and thermodynamic stability) performed at Invitae indicates that this missense variant is not expected to disrupt COL6A2 protein function. This variant has not been reported in the literature in individuals affected with COL6A2-related conditions. This variant is not present in population databases (gnomAD no frequency). This sequence change replaces proline, which is neutral and non-polar, with arginine, which is basic and polar, at codon 383 of the COL6A2 protein (p.Pro383Arg).

NM_001849.4(COL6A2):c.1148C>G (p.Pro383Arg)

Gene: COL6A2 (collagen type VI alpha 2 chain; plus strand). Cytogenetic location: 21q22.3.
Variant type: single nucleotide variant.
Coding change: c.1148C>G on transcript NM_001849.4 (MANE Select); coding-DNA position 1148, C replaced by G.
Protein change: p.Pro383Arg; replaces proline 383 with arginine.
Molecular consequence: missense variant.
Genome position (GRCh38, 1-based): chr21:46,118,645, C>G. VCF-style: chr21-46118645-C-G. GRCh37 (hg19) VCF-style: chr21-47538559-C-G.
Other names: c.1148C>G, p.Pro383Arg (NM_058174.3, NM_058175.3); short protein forms P383R.
Identifiers: ClinVar variation 1998862 (VCV001998862.4), dbSNP rs866527724, ClinGen allele CA410528134.